The following is an entry in ClinVar:

ClinVar aggregate classification (germline): Uncertain significance (1 of 4 stars; one submission).

Conditions:
NTRK2-related disorder. Also called: NTRK2-related condition.

Submission:

PreventionGenetics, part of Exact Sciences
Classification: Uncertain significance for NTRK2-related condition. Last evaluated: 2026-07-13. Review status: criteria provided, single submitter. Criteria: ACMG Guidelines, 2015. Collection method: clinical testing. Allele origin: germline.
Comment: The NTRK2 c.1864G>T variant is predicted to result in the amino acid substitution p.Val622Phe. To our knowledge, this variant has not been reported in the literature or in a large population database (gnomAD), indicating this variant is rare. At this time, the clinical significance of this variant is uncertain due to the absence of conclusive functional and genetic evidence.

NM_006180.6(NTRK2):c.1864G>T (p.Val622Phe)

Gene: NTRK2 (neurotrophic receptor tyrosine kinase 2; plus strand). Cytogenetic location: 9q21.33.
Variant type: single nucleotide variant.
Coding change: c.1864G>T on transcript NM_006180.6 (MANE Select); coding-DNA position 1864, G replaced by T.
Protein change: p.Val622Phe; replaces valine 622 with phenylalanine.
Molecular consequence: missense variant.
Genome position (GRCh38, 1-based): chr9:84,948,561, G>T. VCF-style: chr9-84948561-G-T. GRCh37 (hg19) VCF-style: chr9-87563476-G-T.
Other names: c.1816G>T, p.Val606Phe (NM_001018064.3, NM_001369532.1, NM_001369533.1); c.1780G>T, p.Val594Phe (NM_001369534.1); c.1348G>T, p.Val450Phe (NM_001369535.1); c.1396G>T, p.Val466Phe (NM_001369536.1); short protein forms V622F, V466F, V606F, V594F, V450F.
Identifiers: ClinVar variation 4991746 (VCV004991746.1).